The following is an entry in ClinVar:

ClinVar aggregate classification (germline): Pathogenic (1 of 4 stars; one submission).

Conditions:
Autosomal recessive limb-girdle muscular dystrophy type 2Y (MRRSDC). Also called: Muscular dystrophy, autosomal recessive, with rigid spine and distal joint contractures; Muscular dystrophy, limb-girdle, type 2y. Identifiers: Orphanet 424261, MedGen C4511482, MONDO:0014900, OMIM 617072.

Submission:

Labcorp Genetics (formerly Invitae), Labcorp
Classification: Pathogenic for Autosomal recessive limb-girdle muscular dystrophy type 2Y. Last evaluated: 2021-08-31. Review status: criteria provided, single submitter. Criteria: Invitae Variant Classification Sherloc (09022015). Collection method: clinical testing. Allele origin: germline.
Comment: For these reasons, this variant has been classified as Pathogenic. This variant has not been reported in the literature in individuals affected with TOR1AIP1-related conditions. This variant is not present in population databases (ExAC no frequency). This sequence change creates a premature translational stop signal (p.Thr127Leufs*20) in the TOR1AIP1 gene. It is expected to result in an absent or disrupted protein product. Loss-of-function variants in TOR1AIP1 are known to be pathogenic (PMID: 24856141, 27342937).

Literature cited by the submitters: PubMed 24856141; PubMed 27342937.

NM_015602.4(TOR1AIP1):c.379del (p.Thr127fs)

Genes: TOR1AIP1 (torsin 1A interacting protein 1; plus strand), LOC112577517 (Sharpr-MPRA regulatory region 13766; plus strand). Cytogenetic location: 1q25.2.
Variant type: Deletion.
Coding change: c.379del on transcript NM_015602.4 (MANE Select); coding-DNA position 379, one base deleted (A; older notation c.379delA).
Protein change: p.Thr127fs; shifts the reading frame from threonine 127.
Molecular consequence: frameshift variant.
Genome position (GRCh38, 1-based): chr1:179,882,881, A deleted. VCF-style (leftmost placement, unchanged base first): chr1-179882880-GA-G. GRCh37 (hg19) VCF-style: chr1-179852015-GA-G.
Other names: c.379del, p.Thr127fs (NM_001267578.2); short protein forms T127fs.
Identifiers: ClinVar variation 1453124 (VCV001453124.6), dbSNP rs2148468861, ClinGen allele CA2573131334.